The following is an entry in ClinVar:

NM_000498.3(CYP11B2):c.1201-1G>A

Genes: CYP11B2 (cytochrome P450 family 11 subfamily B member 2; minus strand), LOC106799834 (CYP11B2 recombination region; plus strand). Cytogenetic location: 8q24.3.
Variant type: single nucleotide variant.
Coding change: c.1201-1G>A on transcript NM_000498.3 (MANE Select); the canonical splice acceptor site of the intron before coding-DNA position 1201, G replaced by A.
Molecular consequence: splice acceptor variant.
Genome position (GRCh38, 1-based): chr8:142,912,728, C>T on the plus strand (G>A on the coding strand, the complement: CYP11B2 is on the minus strand). VCF-style: chr8-142912728-C-T. GRCh37 (hg19) VCF-style: chr8-143994144-C-T.
Identifiers: ClinVar variation 4818598 (VCV004818598.1).

ClinVar aggregate classification (germline): Likely pathogenic (1 of 4 stars; one submission).

Conditions:
Corticosterone methyl oxidase type II deficiency.

gnomAD v4.1: 1 of 1,613,868 alleles (0.000062%); highest among the groups gnomAD compares: African/African-American, 0.0013%; no homozygotes.

Submission:

Natera, Inc.
Classification: Likely pathogenic for Corticosterone methyl oxidase type II deficiency. Last evaluated: 2025-10-13. Review status: criteria provided, single submitter. Criteria: Natera Variant Classification Schema (03/2026). Collection method: clinical testing. Allele origin: germline.
Comment: The c.1201-1G>A variant in CYP11B2 is a canonical splice acceptor site variant predicted to affect pre-mRNA splicing, which may result in an abnormal transcript and altered protein product. This variant is expected to result in nonsense mediated decay, truncation, or a dysfunctional protein product. This variant is rare in the general population with a frequency below the threshold expected for the associated phenotype(s). Given the available evidence, this variant is classified as Likely Pathogenic.